The following is an entry in ClinVar:

ClinVar aggregate classification (germline): Uncertain significance (1 of 4 stars; one submission).

Submission:

GeneDx
Classification: Uncertain significance. Last evaluated: 2023-10-01. Review status: criteria provided, single submitter. Criteria: GeneDx Variant Classification Process June 2021. Collection method: clinical testing. Allele origin: germline. Affected: yes.
Comment: Not observed at significant frequency in large population cohorts (gnomAD); In silico analysis supports that this missense variant has a deleterious effect on protein structure/function; Has not been previously published as pathogenic or benign to our knowledge

NM_014423.4(AFF4):c.1025C>T (p.Pro342Leu)

Gene: AFF4 (ALF transcription elongation factor 4; minus strand). Cytogenetic location: 5q31.1.
Variant type: single nucleotide variant.
Coding change: c.1025C>T on transcript NM_014423.4 (MANE Select); coding-DNA position 1025, C replaced by T.
Protein change: p.Pro342Leu; replaces proline 342 with leucine.
Molecular consequence: missense variant.
Genome position (GRCh38, 1-based): chr5:132,927,146, G>A on the plus strand (C>T on the coding strand, the complement: AFF4 is on the minus strand). VCF-style: chr5-132927146-G-A. GRCh37 (hg19) VCF-style: chr5-132262838-G-A.
Other names: short protein forms P342L.
Identifiers: ClinVar variation 2662450 (VCV002662450.1), dbSNP rs2532556875, ClinGen allele CA360952642.